The following is an entry in ClinVar:

NM_004656.4(BAP1):c.1228C>T (p.Gln410Ter)

Genes: DNAH1 (dynein axonemal heavy chain 1; plus strand), BAP1 (BRCA1 associated deubiquitinase 1; minus strand). Cytogenetic location: 3p21.1.
Variant type: single nucleotide variant.
Coding change: c.1228C>T on transcript NM_004656.4 (MANE Select); coding-DNA position 1228, C replaced by T.
Protein change: p.Gln410Ter; replaces glutamine 410 with a stop codon.
Molecular consequence: nonsense.
Genome position (GRCh38, 1-based): chr3:52,404,475, G>A on the plus strand (C>T on the coding strand, the complement: BAP1 is on the minus strand). VCF-style: chr3-52404475-G-A. GRCh37 (hg19) VCF-style: chr3-52438491-G-A.
Other names: c.1228C>T (NM_004656.3); c.1174C>T, p.Gln392Ter (NM_001410772.1); short protein forms Q392*, Q410*.
Identifiers: ClinVar variation 2573286 (VCV002573286.8), dbSNP rs2153226834, ClinGen allele CA353102819.

ClinVar aggregate classification (germline): Pathogenic/Likely pathogenic. Review status: criteria provided, multiple submitters, no conflicts (2 of 4 stars). 6 submissions from 6 submitters: Pathogenic (5); Likely pathogenic (1). Last evaluated 2025-01-10.

Conditions:
BAP1-related disorder. Also called: BAP1-related condition.
Hereditary cancer-predisposing syndrome. Also called: Tumor predisposition; Hereditary Cancer Syndrome; Neoplastic Syndromes, Hereditary; Hereditary neoplastic syndrome. Identifiers: Orphanet 140162, MedGen C0027672, MeSH D009386, MONDO:0015356.
Familial melanoma. Also called: Hereditary melanoma; Hereditary cutaneous melanoma. Identifiers: Orphanet 618, MedGen C1512419, MONDO:0018961.
BAP1-related tumor predisposition syndrome (TPDS1). Also called: COMMON Syndrome; TUMOR PREDISPOSITION SYNDROME 1; Tumor susceptibility linked to germline BAP1 mutations; BAP1 tumor predisposition syndrome. Identifiers: Orphanet 289539, MedGen C3280492, MONDO:0013692, OMIM 614327.

Submissions (6):

Quest Diagnostics Nichols Institute San Juan Capistrano
Classification: Pathogenic. Last evaluated: 2025-01-10. Review status: criteria provided, single submitter. Criteria: Quest Diagnostics criteria. Collection method: clinical testing. Allele origin: unknown.
Comment: The BAP1 c.1228C>T (p.Gln410*) variant causes the premature termination of BAP1 protein synthesis. This variant has not been reported in individuals with BAP1-related conditions in the published literature. This variant has not been reported in large, multi-ethnic general populations (Genome Aggregation Database). Based on the available information, this variant is classified as pathogenic.

PreventionGenetics, part of Exact Sciences
Classification: Likely pathogenic for BAP1-related condition. Last evaluated: 2024-12-24. Review status: criteria provided, single submitter. Criteria: ACMG Guidelines, 2015. Collection method: clinical testing. Allele origin: germline.
Comment: The BAP1 c.1228C>T variant is predicted to result in premature protein termination (p.Gln410*). To our knowledge, this variant has not been reported in the literature or in a large population database (gnomAD), indicating this variant is rare. This variant is interpreted as pathogenic in ClinVar. Nonsense variants in BAP1 are expected to be pathogenic. This variant is interpreted as likely pathogenic.

Ambry Genetics
Classification: Pathogenic for Hereditary cancer-predisposing syndrome. Last evaluated: 2024-11-22. Review status: criteria provided, single submitter. Criteria: Ambry Variant Classification Scheme 2023. Collection method: clinical testing. Allele origin: germline.
Comment: The p.Q410* pathogenic mutation (also known as c.1228C>T), located in coding exon 12 of the BAP1 gene, results from a C to T substitution at nucleotide position 1228. This changes the amino acid from a glutamine to a stop codon within coding exon 12. This variant is considered to be rare based on population cohorts in the Genome Aggregation Database (gnomAD). This alteration is expected to result in loss of function by premature protein truncation or nonsense-mediated mRNA decay. As such, this alteration is interpreted as a disease-causing mutation.

Labcorp Genetics (formerly Invitae), Labcorp
Classification: Pathogenic for BAP1-related tumor predisposition syndrome. Last evaluated: 2024-01-25. Review status: criteria provided, single submitter. Criteria: Invitae Variant Classification Sherloc (09022015). Collection method: clinical testing. Allele origin: germline.
Comment: This sequence change creates a premature translational stop signal (p.Gln410*) in the BAP1 gene. It is expected to result in an absent or disrupted protein product. Loss-of-function variants in BAP1 are known to be pathogenic (PMID: 21874000, 23684012). This variant is not present in population databases (gnomAD no frequency). This variant has not been reported in the literature in individuals affected with BAP1-related conditions. ClinVar contains an entry for this variant (Variation ID: 2573286). For these reasons, this variant has been classified as Pathogenic.

Institute of Medical Genetics and Applied Genomics, University Hospital Tübingen
Classification: Pathogenic for Familial melanoma. Last evaluated: 2024-01-22. Review status: criteria provided, single submitter. Criteria: ACMG Guidelines, 2015. Collection method: clinical testing. Allele origin: germline. Inheritance: Autosomal dominant inheritance. Affected: no.

Myriad Genetics, Inc.
Classification: Pathogenic for BAP1-related tumor predisposition syndrome. Last evaluated: 2023-02-17. Review status: criteria provided, single submitter. Criteria: Myriad Autosomal Dominant, Autosomal Recessive and X-Linked Classification Criteria (2023). Collection method: clinical testing. Allele origin: unknown.
Comment: This variant is considered pathogenic. This variant creates a termination codon and is predicted to result in premature protein truncation.

Literature cited by the submitters: PubMed 21874000 (cited by Labcorp Genetics (formerly Invitae), Labcorp); PubMed 23684012 (cited by Labcorp Genetics (formerly Invitae), Labcorp).